The following is an entry in ClinVar:

ClinVar aggregate classification (germline): Pathogenic/Likely pathogenic. Review status: criteria provided, multiple submitters, no conflicts (2 of 4 stars). 3 submissions from 3 submitters: Pathogenic (1); Likely pathogenic (2). Last evaluated 2025-04-14.

Conditions:
Epidermodysplasia verruciformis. Identifiers: Orphanet 302, MedGen C0014522, MONDO:0009176.
Epidermodysplasia verruciformis, susceptibility to, 1. Identifiers: Orphanet 302, MedGen C4722564, MONDO:0100045, OMIM 226400.
TMC6-related disorder. Also called: TMC6-related condition.

Submissions (3):

Labcorp Genetics (formerly Invitae), Labcorp
Classification: Pathogenic for Epidermodysplasia verruciformis. Last evaluated: 2025-04-14. Review status: criteria provided, single submitter. Criteria: Invitae Variant Classification Sherloc (09022015). Collection method: clinical testing. Allele origin: germline.
Comment: This sequence change creates a premature translational stop signal (p.Val666Serfs*9) in the TMC6 gene. It is expected to result in an absent or disrupted protein product. Loss-of-function variants in TMC6 are known to be pathogenic (PMID: 15042430, 17139267). This variant is not present in population databases (gnomAD no frequency). This variant has not been reported in the literature in individuals affected with TMC6-related conditions. ClinVar contains an entry for this variant (Variation ID: 3655284). For these reasons, this variant has been classified as Pathogenic.

PreventionGenetics, part of Exact Sciences
Classification: Likely pathogenic for TMC6-related condition. Last evaluated: 2025-01-09. Review status: criteria provided, single submitter. Criteria: ACMG Guidelines, 2015. Collection method: clinical testing. Allele origin: germline.
Comment: The TMC6 c.1996_1999delGTCT variant is predicted to result in a frameshift and premature protein termination (p.Val666Serfs*9). To our knowledge, this variant has not been reported in the literature or in a large population database (gnomAD), indicating this variant is rare. Frameshift variants in TMC6 are expected to be pathogenic. This variant is interpreted as likely pathogenic.

Juno Genomics, Hangzhou Juno Genomics, Inc
Classification: Likely pathogenic for Epidermodysplasia verruciformis, susceptibility to, 1. Review status: criteria provided, single submitter. Criteria: ACMG Guidelines, 2015. Collection method: clinical testing. Allele origin: germline.
Comment: Null variant in a gene where loss of function (LOF) is a known mechanism of disease.;Absent from controls (or at extremely low frequency if recessive) in Genome Aggregation Database.

Literature cited by the submitters: PubMed 15042430 (cited by Labcorp Genetics (formerly Invitae), Labcorp); PubMed 17139267 (cited by Labcorp Genetics (formerly Invitae), Labcorp).

NM_001127198.5(TMC6):c.1996_1999del (p.Val666fs)

Gene: TMC6 (transmembrane channel like 6; minus strand). Cytogenetic location: 17q25.3.
Variant type: Deletion.
Coding change: c.1996_1999del on transcript NM_001127198.5 (MANE Select); coding-DNA positions 1996 to 1999, 4 bases deleted (GTCT; older notation c.1996_1999delGTCT).
Protein change: p.Val666fs; shifts the reading frame from valine 666.
Molecular consequence: frameshift variant. On other transcripts: non-coding transcript variant (4).
Genome position (GRCh38, 1-based): chr17:78,117,824-78,117,827, AGAC deleted on the plus strand (GTCT on the coding strand, the reverse complement: TMC6 is on the minus strand); deleting any 4 consecutive bases within chr17:78,117,824-78,117,829 gives the same sequence; the c. name uses the placement nearest the transcript's 3' end. VCF-style (leftmost placement, unchanged base first): chr17-78117823-AAGAC-A. GRCh37 (hg19) VCF-style: chr17-76113904-AAGAC-A.
Other names: c.1996_1999del, p.Val666fs (NM_001321185.1, NM_001374596.1, NM_001375353.1 and 2 more transcripts); c.1816_1819del, p.Val606fs (NM_001374593.1, NM_001374594.1); c.1996_1999delGTCT (NM_007267.7); short protein forms V666fs, V606fs.
Identifiers: ClinVar variation 3655284 (VCV003655284.4).